The following is an entry in ClinVar:

ClinVar aggregate classification (germline): Conflicting classifications of pathogenicity. Review status: criteria provided, conflicting classifications (1 of 4 stars). 7 submissions from 7 submitters: Uncertain significance (1); Likely benign (5). 1 of the submissions does not count toward it. Last evaluated 2026-01-27.

Conditions:
Inborn genetic diseases. Identifiers: MedGen C0950123, MeSH D030342.
Dyskeratosis congenita. Identifiers: Orphanet 1775, MedGen C0265965, MONDO:0015780.
Dyskeratosis congenita, autosomal recessive 5 (DKCB5). Identifiers: MedGen C3554656, MONDO:0014076, OMIM 615190.
Pulmonary fibrosis and/or bone marrow failure, Telomere-related, 3. Also called: PULMONARY FIBROSIS AND/OR BONE MARROW FAILURE SYNDROME, TELOMERE-RELATED, 3. Identifiers: Orphanet 2032, MedGen C4225346, MONDO:0014613, OMIM 616373.

Allele frequency attached by ClinVar (database versions not stated): ExAC 0.00024; gnomAD exomes 0.00029 and 0.00067; gnomAD 0.00032 and 0.00033; TOPMed 0.00045; ESP Exome Variant Server 0.00046.
gnomAD v4.1: 1,031 of 1,613,806 alleles (0.064%); highest among the groups gnomAD compares: Non-Finnish European, 0.081%; 1 homozygote.

Submissions (7):

Labcorp Genetics (formerly Invitae), Labcorp
Classification: Likely benign for Dyskeratosis congenita, autosomal recessive 5; Pulmonary fibrosis and/or bone marrow failure, Telomere-related, 3. Last evaluated: 2026-01-27. Review status: criteria provided, single submitter. Criteria: Invitae Variant Classification Sherloc (09022015). Collection method: clinical testing. Allele origin: germline.

Blueprint Genetics
Classification: Likely benign. Last evaluated: 2024-11-07. Review status: criteria provided, single submitter. Criteria: ACMG Guidelines, 2015. Collection method: clinical testing. Allele origin: germline.

ARUP Laboratories, Molecular Genetics and Genomics, ARUP Laboratories
Classification: Likely benign. Last evaluated: 2024-07-17. Review status: criteria provided, single submitter. Criteria: ARUP Molecular Germline Variant Investigation Process 2024. Collection method: clinical testing. Allele origin: germline.

CeGaT Center for Human Genetics Tuebingen
Classification: Likely benign. Last evaluated: 2024-06-01. Review status: criteria provided, single submitter. Criteria: CeGaT Center For Human Genetics Tuebingen Variant Classification Criteria Version 2. Collection method: clinical testing. Allele origin: germline. Affected: yes. Observed: 2 variant alleles.
Comment: RTEL1: BP4, BP7

Ambry Genetics
Classification: Likely benign for Inborn genetic diseases. Last evaluated: 2024-01-27. Review status: criteria provided, single submitter. Criteria: Ambry Variant Classification Scheme 2023. Collection method: clinical testing. Allele origin: germline.

Sema4
Classification: Uncertain significance for Dyskeratosis congenita. Last evaluated: 2021-10-29. Review status: criteria provided, single submitter. Criteria: Sema4 Curation Guidelines. Collection method: curation. Allele origin: germline.
Comment: The RTEL1 c.489C>T (p.Cys163=) variant has not been reported in the literature to our knowledge. It was observed in 72/129128 chromosomes in the Non-Finnish European subpopulation, with 0 homozygotes, in the large and broad cohorts of the Genome Aggregation Database (PMID: 32461654). The variant has been reported in ClinVar (Variation ID: 420793). In silico tools suggest the impact of the variant on splicing is inconclusive, though these predictions have not been confirmed by functional studies. The evidence is insufficient to meet ACMG/AMP criteria for classifying the variant as benign or pathogenic. Thus, the clinical significance of this variant is currently uncertain.

Natera, Inc.
Classification: Uncertain significance for Dyskeratosis congenita. Last evaluated: 2020-01-24. Review status: no assertion criteria provided. Collection method: clinical testing. Allele origin: germline. Not counted in ClinVar's aggregate classification.

NM_001283009.2(RTEL1):c.489C>T (p.Cys163=)

Genes: RTEL1 (regulator of telomere elongation helicase 1; plus strand), RTEL1-TNFRSF6B (RTEL1-TNFRSF6B readthrough (NMD candidate); plus strand). Cytogenetic location: 20q13.33.
Variant type: single nucleotide variant.
Coding change: c.489C>T on transcript NM_001283009.2 (MANE Select); coding-DNA position 489, C replaced by T.
Protein change: p.Cys163=; no amino-acid change (cysteine 163 retained).
Molecular consequence: synonymous variant. On other transcripts: non-coding transcript variant (1), 5 prime UTR variant (1).
Genome position (GRCh38, 1-based): chr20:63,662,840, C>T. VCF-style: chr20-63662840-C-T. GRCh37 (hg19) VCF-style: chr20-62294193-C-T.
Other names: c.-181C>T (NM_001283010.1); c.489C>T, p.Cys163= (NM_016434.4); c.561C>T, p.Cys187= (NM_032957.5).
Identifiers: ClinVar variation 784579 (VCV000784579.47), dbSNP rs142058793, ClinGen allele CA9964300.